The following is an entry in ClinVar:

ClinVar aggregate classification (germline): Pathogenic (1 of 4 stars; one submission).

Conditions:
Fetal anomalies with a likely genetic cause.

Submission:

Genetics Laboratory, Great Ormond Street Hospital NHS Foundation Trust, North Thames Genomic Laboratory Hub
Classification: Pathogenic for Fetal anomalies with a likely genetic cause. Last evaluated: 2026-02-17. Review status: criteria provided, single submitter. Criteria: ACGS Best Practice Guidelines for Variant Classification in Rare Disease 2024 v1.2. Collection method: clinical testing. Allele origin: germline. Affected: yes.
Comment: PM2_moderate, PVS1_very-strong

NM_020751.3(COG6):c.248del (p.Ser83fs)

Gene: COG6 (component of oligomeric golgi complex 6; plus strand). Cytogenetic location: 13q14.11.
Variant type: Deletion.
Coding change: c.248del on transcript NM_020751.3 (MANE Select); coding-DNA position 248, one base deleted (G; older notation c.248delG).
Protein change: p.Ser83fs; shifts the reading frame from serine 83.
Molecular consequence: frameshift variant. On other transcripts: non-coding transcript variant (1).
Genome position (GRCh38, 1-based): chr13:39,659,458, G deleted. VCF-style (leftmost placement, unchanged base first): chr13-39659457-AG-A. GRCh37 (hg19) VCF-style: chr13-40233594-AG-A.
Other names: c.248del, p.Ser83fs (NM_001145079.2); short protein forms S83fs.
Identifiers: ClinVar variation 4820287 (VCV004820287.1).